The following is an entry in ClinVar:

NM_020117.11(LARS1):c.3311A>G (p.Asn1104Ser)

Gene: LARS1 (leucyl-tRNA synthetase 1; minus strand). Cytogenetic location: 5q32.
Variant type: single nucleotide variant.
Coding change: c.3311A>G on transcript NM_020117.11 (MANE Select); coding-DNA position 3311, A replaced by G.
Protein change: p.Asn1104Ser; replaces asparagine 1104 with serine.
Molecular consequence: missense variant.
Genome position (GRCh38, 1-based): chr5:146,120,385, T>C on the plus strand (A>G on the coding strand, the complement: LARS1 is on the minus strand). VCF-style: chr5-146120385-T-C. GRCh37 (hg19) VCF-style: chr5-145499948-T-C.
Other names: c.3173A>G, p.Asn1058Ser (NM_001317964.2); c.3149A>G, p.Asn1050Ser (NM_001317965.2); c.3230A>G, p.Asn1077Ser (NM_016460.4); short protein forms N1050S, N1058S, N1077S, N1104S.
Identifiers: ClinVar variation 3117909 (VCV003117909.3), dbSNP rs369661734, ClinGen allele CA3489064.
Genomic context (GRCh38, chr5:146,120,385, plus strand): 5'-AAATCTACAAGCTACTGACAAATGGGAGTTTTGGGGAACAACTTACCTTTAATTCCTCGA[T>C]TCATTTTCATTAAACGCCTGATTATGGAATCACAGTTATCTCCTTGCCTGATTTCAATTT-3'
Protein context (NP_064502.9, residues 1094-1114): DSIIRRLMKM[Asn1104Ser]RGIKDLSKVK

ClinVar aggregate classification (germline): Uncertain significance. Review status: criteria provided, multiple submitters, no conflicts (2 of 4 stars). 2 submissions from 2 submitters: Uncertain significance (2). Last evaluated 2025-04-03.

Allele frequency attached by ClinVar (database versions not stated): ExAC 0.00012; 1000 Genomes Project 30x 0.00031; TOPMed 0.00001; gnomAD exomes 0.00005; gnomAD 0.00007; 1000 Genomes Project 0.00020.
gnomAD v4.1: 85 of 1,613,248 alleles (0.0053%); highest among the groups gnomAD compares: South Asian, 0.069%; 1 homozygote.

Submissions (2):

Ambry Genetics
Classification: Uncertain significance. Last evaluated: 2025-04-03. Review status: criteria provided, single submitter. Criteria: Ambry Variant Classification Scheme 2023. Collection method: clinical testing. Allele origin: germline.

GeneDx
Classification: Uncertain significance. Last evaluated: 2024-09-13. Review status: criteria provided, single submitter. Criteria: GeneDx Variant Classification Process June 2021. Collection method: clinical testing. Allele origin: germline. Affected: yes.
Comment: In silico analysis indicates that this missense variant does not alter protein structure/function; Has not been previously published as pathogenic or benign to our knowledge